The following is an entry in ClinVar:

NM_001142800.2(EYS):c.810del (p.Asn269_Cys270insTer)

Gene: EYS (EGF-like photoreceptor maintenance factor; minus strand). Cytogenetic location: 6q12.
Variant type: Deletion.
Coding change: c.810del on transcript NM_001142800.2 (MANE Select); coding-DNA position 810, one base deleted (C; older notation c.810delC).
Protein change: p.Asn269_Cys270insTer.
Molecular consequence: nonsense.
Genome position (GRCh38, 1-based): chr6:65,490,646, G deleted on the plus strand (C on the coding strand, the reverse complement: EYS is on the minus strand). VCF-style (leftmost placement, unchanged base first): chr6-65490645-TG-T. GRCh37 (hg19) VCF-style: chr6-66200538-TG-T.
Other names: c.810del, p.Asn269_Cys270insTer (NM_001142801.2, NM_001292009.2, NM_198283.2).
Identifiers: ClinVar variation 2797690 (VCV002797690.3), dbSNP rs1766006410, ClinGen allele CA1089920844.

ClinVar aggregate classification (germline): Pathogenic (1 of 4 stars; one submission).

Allele frequency attached by ClinVar (database versions not stated): gnomAD exomes below 0.00001.

Submission:

Labcorp Genetics (formerly Invitae), Labcorp
Classification: Pathogenic. Last evaluated: 2023-10-09. Review status: criteria provided, single submitter. Criteria: Invitae Variant Classification Sherloc (09022015). Collection method: clinical testing. Allele origin: germline.
Comment: This sequence change creates a premature translational stop signal (p.Cys270*) in the EYS gene. It is expected to result in an absent or disrupted protein product. Loss-of-function variants in EYS are known to be pathogenic (PMID: 18836446, 20333770). This variant is not present in population databases (gnomAD no frequency). This variant has not been reported in the literature in individuals affected with EYS-related conditions. Algorithms developed to predict the effect of sequence changes on RNA splicing suggest that this variant may disrupt the consensus splice site. For these reasons, this variant has been classified as Pathogenic.

Literature cited by the submitters: PubMed 18836446; PubMed 20333770.